The following is an entry in ClinVar:

NM_000492.4(CFTR):c.1139A>G (p.Tyr380Cys)

Gene: CFTR (CF transmembrane conductance regulator; plus strand). Cytogenetic location: 7q31.2.
Variant type: single nucleotide variant.
Coding change: c.1139A>G on transcript NM_000492.4 (MANE Select); coding-DNA position 1139, A replaced by G.
Protein change: p.Tyr380Cys; replaces tyrosine 380 with cysteine.
Molecular consequence: missense variant.
Genome position (GRCh38, 1-based): chr7:117,542,038, A>G. VCF-style: chr7-117542038-A-G. GRCh37 (hg19) VCF-style: chr7-117182092-A-G.
Other names: short protein forms Y380C.
Identifiers: ClinVar variation 3628060 (VCV003628060.2).

ClinVar aggregate classification (germline): Uncertain significance (1 of 4 stars; one submission).

Conditions:
Cystic fibrosis (CF). Also called: MUCOVISCIDOSIS. Identifiers: Orphanet 586, MedGen C0010674, MONDO:0009061, OMIM 219700. Disease mechanism: loss of function.

gnomAD v4.1: 10 of 1,574,932 alleles (0.00063%); highest among the groups gnomAD compares: South Asian, 0.0067%; no homozygotes.

Submission:

Labcorp Genetics (formerly Invitae), Labcorp
Classification: Uncertain significance for Cystic fibrosis. Last evaluated: 2024-03-07. Review status: criteria provided, single submitter. Criteria: Invitae Variant Classification Sherloc (09022015). Collection method: clinical testing. Allele origin: germline.
Comment: This sequence change replaces tyrosine, which is neutral and polar, with cysteine, which is neutral and slightly polar, at codon 380 of the CFTR protein (p.Tyr380Cys). This variant is present in population databases (rs761884881, gnomAD 0.007%). This variant has not been reported in the literature in individuals affected with CFTR-related conditions. Advanced modeling of protein sequence and biophysical properties (such as structural, functional, and spatial information, amino acid conservation, physicochemical variation, residue mobility, and thermodynamic stability) performed at Invitae indicates that this missense variant is expected to disrupt CFTR protein function with a positive predictive value of 80%. Experimental studies have shown that this missense change affects CFTR function (PMID: 7748553). In summary, the available evidence is currently insufficient to determine the role of this variant in disease. Therefore, it has been classified as a Variant of Uncertain Significance.

Literature cited by the submitters: PubMed 7748553.